The following is an entry in ClinVar:

ClinVar aggregate classification (germline): Uncertain significance (1 of 4 stars; one submission).

Conditions:
Hereditary cancer-predisposing syndrome. Also called: Hereditary neoplastic syndrome; Neoplastic Syndromes, Hereditary; Tumor predisposition; Hereditary Cancer Syndrome. Identifiers: Orphanet 140162, MedGen C0027672, MeSH D009386, MONDO:0015356.

Submission:

Ambry Genetics
Classification: Uncertain significance for Hereditary cancer-predisposing syndrome. Last evaluated: 2025-01-21. Review status: criteria provided, single submitter. Criteria: Ambry Variant Classification Scheme 2023. Collection method: clinical testing. Allele origin: germline.
Comment: The p.S76L variant (also known as c.227C>T), located in coding exon 3 of the EPCAM gene, results from a C to T substitution at nucleotide position 227. The serine at codon 76 is replaced by leucine, an amino acid with dissimilar properties. This amino acid position is conserved. In addition, this alteration is predicted to be tolerated by in silico analysis. Based on the available evidence, the clinical significance of this variant remains unclear.

NM_002354.3(EPCAM):c.227C>T (p.Ser76Leu)

Gene: EPCAM (epithelial cell adhesion molecule; plus strand). Cytogenetic location: 2p21.
Variant type: single nucleotide variant.
Coding change: c.227C>T on transcript NM_002354.3 (MANE Select); coding-DNA position 227, C replaced by T.
Protein change: p.Ser76Leu; replaces serine 76 with leucine.
Molecular consequence: missense variant.
Genome position (GRCh38, 1-based): chr2:47,373,850, C>T. VCF-style: chr2-47373850-C-T. GRCh37 (hg19) VCF-style: chr2-47600989-C-T.
Other names: short protein forms S76L.
Identifiers: ClinVar variation 3845281 (VCV003845281.1).